The following is an entry in ClinVar:

ClinVar aggregate classification (germline): Uncertain significance (1 of 4 stars; one submission).

Conditions:
Hereditary cancer-predisposing syndrome. Also called: Tumor predisposition; Neoplastic Syndromes, Hereditary; Hereditary neoplastic syndrome; Hereditary Cancer Syndrome. Identifiers: Orphanet 140162, MedGen C0027672, MeSH D009386, MONDO:0015356.

Submission:

Ambry Genetics
Classification: Uncertain significance for Hereditary cancer-predisposing syndrome. Last evaluated: 2024-11-16. Review status: criteria provided, single submitter. Criteria: Ambry Variant Classification Scheme 2023. Collection method: clinical testing. Allele origin: germline.
Comment: The p.V143A variant (also known as c.428T>C), located in coding exon 3 of the TMEM127 gene, results from a T to C substitution at nucleotide position 428. The valine at codon 143 is replaced by alanine, an amino acid with similar properties. This amino acid position is conserved. In addition, this alteration is predicted to be deleterious by in silico analysis. Based on the available evidence, the clinical significance of this variant remains unclear.

NM_017849.4(TMEM127):c.428T>C (p.Val143Ala)

Gene: TMEM127 (transmembrane protein 127; minus strand). Cytogenetic location: 2q11.2.
Variant type: single nucleotide variant.
Coding change: c.428T>C on transcript NM_017849.4 (MANE Select); coding-DNA position 428, T replaced by C.
Protein change: p.Val143Ala; replaces valine 143 with alanine.
Molecular consequence: missense variant.
Genome position (GRCh38, 1-based): chr2:96,254,097, A>G on the plus strand (T>C on the coding strand, the complement: TMEM127 is on the minus strand). VCF-style: chr2-96254097-A-G. GRCh37 (hg19) VCF-style: chr2-96919835-A-G.
Other names: c.428T>C, p.Val143Ala (NM_001193304.3); c.176T>C, p.Val59Ala (NM_001407282.1, NM_001407283.1); short protein forms V143A, V59A.
Identifiers: ClinVar variation 3457615 (VCV003457615.1).